The following is an entry in ClinVar:

ClinVar aggregate classification (germline): Conflicting classifications of pathogenicity. Review status: criteria provided, conflicting classifications (1 of 4 stars). 6 submissions from 6 submitters: Uncertain significance (5); Likely benign (1). Last evaluated 2026-01-10.

Conditions:
Classic or attenuated familial adenomatous polyposis. Identifiers: MedGen CN372698, MONDO:0021057.
Hereditary cancer-predisposing syndrome. Also called: Tumor predisposition; Hereditary Cancer Syndrome; Hereditary neoplastic syndrome; Neoplastic Syndromes, Hereditary. Identifiers: Orphanet 140162, MedGen C0027672, MeSH D009386, MONDO:0015356.
Familial adenomatous polyposis 1 (FAP1). Also called: FAMILIAL ADENOMATOUS POLYPOSIS 1, ATTENUATED; POLYPOSIS, ADENOMATOUS INTESTINAL. Identifiers: MedGen C2713442, MONDO:0021056, OMIM 175100. Disease mechanism: loss of function.

Allele frequency attached by ClinVar (database versions not stated): gnomAD 0.00001; gnomAD exomes 0.00001; TOPMed 0.00001.
gnomAD v4.1: 6 of 1,614,066 alleles (0.00037%); highest among the groups gnomAD compares: Non-Finnish European, 0.00051%; no homozygotes.

Submissions (6):

Labcorp Genetics (formerly Invitae), Labcorp
Classification: Uncertain significance for Familial adenomatous polyposis 1. Last evaluated: 2026-01-10. Review status: criteria provided, single submitter. Criteria: Invitae Variant Classification Sherloc (09022015). Collection method: clinical testing. Allele origin: germline.
Comment: This sequence change replaces asparagine, which is neutral and polar, with aspartic acid, which is acidic and polar, at codon 1533 of the APC protein (p.Asn1533Asp). This variant is present in population databases (rs730881226, gnomAD 0.003%). This variant has not been reported in the literature in individuals affected with APC-related conditions. ClinVar contains an entry for this variant (Variation ID: 181772). Invitae Evidence Modeling of protein sequence and biophysical properties (such as structural, functional, and spatial information, amino acid conservation, physicochemical variation, residue mobility, and thermodynamic stability) indicates that this missense variant is not expected to disrupt APC protein function with a negative predictive value of 95%. In summary, the available evidence is currently insufficient to determine the role of this variant in disease. Therefore, it has been classified as a Variant of Uncertain Significance.

Ambry Genetics
Classification: Likely benign for Hereditary cancer-predisposing syndrome. Last evaluated: 2024-07-15. Review status: criteria provided, single submitter. Criteria: Ambry Variant Classification Scheme 2023. Collection method: clinical testing. Allele origin: germline.

Baylor Genetics
Classification: Uncertain significance for Familial adenomatous polyposis 1. Last evaluated: 2024-03-11. Review status: criteria provided, single submitter. Criteria: ACMG Guidelines, 2015. Collection method: clinical testing. Allele origin: unknown.

All of Us Research Program, National Institutes of Health
Classification: Uncertain significance for Classic or attenuated familial adenomatous polyposis. Last evaluated: 2023-04-27. Review status: criteria provided, single submitter. Criteria: ACMG Guidelines, 2015. Collection method: clinical testing. Allele origin: germline. Inheritance: Autosomal dominant inheritance. Observed: 1 variant allele, 1 heterozygote.
Comment: This missense variant replaces asparagine with aspartic acid at codon 1533 of the APC protein. Computational prediction suggests that this variant may not impact protein structure and function (internally defined REVEL score threshold <= 0.5, PMID: 27666373). To our knowledge, functional studies have not been reported for this variant. This variant has not been reported in individuals affected with hereditary cancer in the literature. This variant has been identified in 3/250346 chromosomes in the general population by the Genome Aggregation Database (gnomAD). The available evidence is insufficient to determine the role of this variant in disease conclusively. Therefore, this variant is classified as a Variant of Uncertain Significance.

This study involves interpretation of variants in research participants for the purpose of population health screening. Participant phenotype was not available at the time of variant classification. Additional details can be found in publication PMID: 35346344, PMCID: PMC8962531

Color Diagnostics, LLC DBA Color Health
Classification: Uncertain significance for Hereditary cancer-predisposing syndrome. Last evaluated: 2020-10-13. Review status: criteria provided, single submitter. Criteria: ACMG Guidelines, 2015. Collection method: clinical testing. Allele origin: germline.
Comment: This missense variant replaces asparagine with aspartic acid at codon 1533 of the APC protein. Computational prediction suggests that this variant may not impact protein structure and function (internally defined REVEL score threshold <= 0.5, PMID: 27666373). To our knowledge, functional studies have not been reported for this variant. This variant has not been reported in individuals affected with hereditary cancer in the literature. This variant has been identified in 3/250346 chromosomes in the general population by the Genome Aggregation Database (gnomAD). The available evidence is insufficient to determine the role of this variant in disease conclusively. Therefore, this variant is classified as a Variant of Uncertain Significance.

GeneDx
Classification: Uncertain significance. Last evaluated: 2019-11-11. Review status: criteria provided, single submitter. Criteria: GeneDx Variant Classification Process June 2021. Collection method: clinical testing. Allele origin: germline. Affected: yes.
Comment: In silico analysis, which includes protein predictors and evolutionary conservation, supports that this variant does not alter protein structure/function; Observed in an individual with advanced cancer (Mandelker 2017); This variant is associated with the following publications: (PMID: 20136519, 28873162, 30972172)

NM_000038.6(APC):c.4597A>G (p.Asn1533Asp)

Gene: APC (APC regulator of Wnt signaling pathway; plus strand). Cytogenetic location: 5q22.2.
Variant type: single nucleotide variant.
Coding change: c.4597A>G on transcript NM_000038.6 (MANE Select); coding-DNA position 4597, A replaced by G.
Protein change: p.Asn1533Asp; replaces asparagine 1533 with aspartic acid.
Molecular consequence: missense variant.
Genome position (GRCh38, 1-based): chr5:112,840,191, A>G. VCF-style: chr5-112840191-A-G. GRCh37 (hg19) VCF-style: chr5-112175888-A-G.
Other names: p.N1533D:AAT>GAT; c.4597A>G, p.Asn1533Asp (NM_001127510.3, NM_001354895.2); c.4543A>G, p.Asn1515Asp (NM_001127511.3); c.4651A>G, p.Asn1551Asp (NM_001354896.2); c.4627A>G, p.Asn1543Asp (NM_001354897.2); c.4522A>G, p.Asn1508Asp (NM_001354898.2); c.4513A>G, p.Asn1505Asp (NM_001354899.2); c.4474A>G, p.Asn1492Asp (NM_001354900.2); and 6 more; short protein forms N1515D, N1533D, N1442D, N1373D, N1432D, N1474D, N1492D, N1505D.
Identifiers: ClinVar variation 181772 (VCV000181772.21), dbSNP rs730881226, ClinGen allele CA009631.
Genomic context (GRCh38, chr5:112,840,191, plus strand): 5'-GAGCCATTTATACAGAAAGATGTGGAATTAAGAATAATGCCTCCAGTTCAGGAAAATGAC[A>G]ATGGGAATGAAACAGAATCAGAGCAGCCTAAAGAATCAAATGAAAACCAAGAGAAAGAGG-3'
Protein context (NP_000029.2, residues 1523-1543): RIMPPVQEND[Asn1533Asp]GNETESEQPK